The following is an entry in ClinVar:

ClinVar aggregate classification (germline): Uncertain significance (1 of 4 stars; one submission).

Submission:

Labcorp Genetics (formerly Invitae), Labcorp
Classification: Uncertain significance. Last evaluated: 2023-12-11. Review status: criteria provided, single submitter. Criteria: Invitae Variant Classification Sherloc (09022015). Collection method: clinical testing. Allele origin: germline.
Comment: This variant results in a copy number gain of the genomic region encompassing exon(s) 7-13 of the ABHD12 gene. This region includes the termination codon of the gene. This copy number gain extends beyond the assayed region for this gene and therefore may encompass additional genes. As the precise location of this event is unknown, it may be in tandem or it may be located elsewhere in the genome. This variant has not been reported in the literature in individuals affected with ABHD12-related conditions. Experimental studies and prediction algorithms are not available or were not evaluated, and the functional significance of this variant is currently unknown. In summary, the available evidence is currently insufficient to determine the role of this variant in disease. Therefore, it has been classified as a Variant of Uncertain Significance.

NC_000020.10:g.(?_25281481)_(25290231_?)dup

Gene: ABHD12 (abhydrolase domain containing 12, lysophospholipase; minus strand). Cytogenetic location: 20p11.21.
Variant type: Duplication.
Identifiers: ClinVar variation 1056051 (VCV001056051.6).